The following is an entry in ClinVar:

ClinVar aggregate classification (germline): Likely benign (1 of 4 stars; one submission).

Allele frequency attached by ClinVar (database versions not stated): gnomAD exomes 0.00001; TOPMed below 0.00001; ExAC 0.00001; gnomAD 0.00001.
gnomAD v4.1: 12 of 1,614,066 alleles (0.00074%); highest among the groups gnomAD compares: Non-Finnish European, 0.001%; no homozygotes.

Submission:

CeGaT Center for Human Genetics Tuebingen
Classification: Likely benign. Last evaluated: 2023-11-01. Review status: criteria provided, single submitter. Criteria: CeGaT Center For Human Genetics Tuebingen Variant Classification Criteria Version 2. Collection method: clinical testing. Allele origin: germline. Affected: yes. Observed: 1 variant allele.
Comment: SIAH1: BP4, BP7

NM_003031.4(SIAH1):c.717T>G (p.Thr239=)

Genes: LONP2 (lon peptidase 2, peroxisomal; plus strand), SIAH1 (siah E3 ubiquitin protein ligase 1; minus strand). Cytogenetic location: 16q12.1.
Variant type: single nucleotide variant.
Coding change: c.717T>G on transcript NM_003031.4 (MANE Select); coding-DNA position 717, T replaced by G.
Protein change: p.Thr239=; no amino-acid change (threonine 239 retained).
Molecular consequence: synonymous variant. On other transcripts: 3 prime UTR variant (1).
Genome position (GRCh38, 1-based): chr16:48,361,712, A>C on the plus strand (T>G on the coding strand, the complement: SIAH1 is on the minus strand). VCF-style: chr16-48361712-A-C. GRCh37 (hg19) VCF-style: chr16-48395623-A-C.
Other names: c.810T>G, p.Thr270= (NM_001006610.2); c.*116A>C (NM_001348078.2).
Identifiers: ClinVar variation 2672635 (VCV002672635.21), dbSNP rs746701433, ClinGen allele CA8045065.